The following is an entry in ClinVar:

ClinVar aggregate classification (germline): Likely benign (1 of 4 stars; one submission).

gnomAD v4.1: 8 of 897,638 alleles (0.00089%); highest among the groups gnomAD compares: Non-Finnish European, 0.0011%; no homozygotes.

Submission:

CeGaT Center for Human Genetics Tuebingen
Classification: Likely benign. Last evaluated: 2026-03-01. Review status: criteria provided, single submitter. Criteria: CeGaT Center For Human Genetics Tuebingen Variant Classification Criteria Version 2. Collection method: clinical testing. Allele origin: germline. Affected: yes. Observed: 1 variant allele.
Comment: TAF4: BP4, BP7

NM_003185.4(TAF4):c.927C>T (p.Ala309=)

Genes: MIR3195 (microRNA 3195; plus strand), TAF4 (TATA-box binding protein associated factor 4; minus strand). Cytogenetic location: 20q13.33.
Variant type: single nucleotide variant.
Coding change: c.927C>T on transcript NM_003185.4 (MANE Select); coding-DNA position 927, C replaced by T.
Protein change: p.Ala309=; no amino-acid change (alanine 309 retained).
Molecular consequence: synonymous variant. On other transcripts: non-coding transcript variant (1).
Genome position (GRCh38, 1-based): chr20:62,064,884, G>A on the plus strand (C>T on the coding strand, the complement: TAF4 is on the minus strand). VCF-style: chr20-62064884-G-A. GRCh37 (hg19) VCF-style: chr20-60639940-G-A.
Identifiers: ClinVar variation 4823658 (VCV004823658.4).